The following is an entry in ClinVar:

NM_005188.4(CBL):c.2470C>T (p.Pro824Ser)

Gene: CBL (Cbl proto-oncogene; plus strand). Cytogenetic location: 11q23.3.
Variant type: single nucleotide variant.
Coding change: c.2470C>T on transcript NM_005188.4 (MANE Select); coding-DNA position 2470, C replaced by T.
Protein change: p.Pro824Ser; replaces proline 824 with serine.
Molecular consequence: missense variant.
Genome position (GRCh38, 1-based): chr11:119,299,530, C>T. VCF-style: chr11-119299530-C-T. GRCh37 (hg19) VCF-style: chr11-119170240-C-T.
Other names: short protein forms P824S.
Identifiers: ClinVar variation 1996508 (VCV001996508.4), dbSNP rs2135322027, ClinGen allele CA382932032.

ClinVar aggregate classification (germline): Uncertain significance (1 of 4 stars; one submission).

Conditions:
RASopathy. Also called: Noonan spectrum disorder; rasopathies. Identifiers: Orphanet 536391, MedGen C5555857, MONDO:0021060.

Submission:

Labcorp Genetics (formerly Invitae), Labcorp
Classification: Uncertain significance for RASopathy. Last evaluated: 2022-05-19. Review status: criteria provided, single submitter. Criteria: Invitae Variant Classification Sherloc (09022015). Collection method: clinical testing. Allele origin: germline.
Comment: This variant is not present in population databases (gnomAD no frequency). This sequence change replaces proline, which is neutral and non-polar, with serine, which is neutral and polar, at codon 824 of the CBL protein (p.Pro824Ser). This variant has not been reported in the literature in individuals affected with CBL-related conditions. In summary, the available evidence is currently insufficient to determine the role of this variant in disease. Therefore, it has been classified as a Variant of Uncertain Significance. Advanced modeling of protein sequence and biophysical properties (such as structural, functional, and spatial information, amino acid conservation, physicochemical variation, residue mobility, and thermodynamic stability) performed at Invitae indicates that this missense variant is not expected to disrupt CBL protein function.